The following is an entry in ClinVar:

ClinVar aggregate classification (germline): Uncertain significance. Review status: criteria provided, multiple submitters, no conflicts (2 of 4 stars). 3 submissions from 3 submitters: Uncertain significance (3). Last evaluated 2024-02-10.

Conditions:
Hereditary cancer-predisposing syndrome. Also called: Hereditary Cancer Syndrome; Hereditary neoplastic syndrome; Neoplastic Syndromes, Hereditary; Tumor predisposition. Identifiers: Orphanet 140162, MedGen C0027672, MeSH D009386, MONDO:0015356.
Hereditary breast ovarian cancer syndrome. Also called: Breast and ovarian cancer; Hereditary breast and ovarian cancer syndrome (HBOC); Hereditary breast and ovarian cancer syndrome; Hereditary breast and/or ovarian cancer syndrome; Hereditary breast and ovarian cancer; BRCA1- and BRCA2-Associated Hereditary Breast and Ovarian Cancer. Identifiers: Orphanet 145, MedGen C0677776, MeSH D061325, MONDO:0003582. Disease mechanism: loss of function.

Submissions (3):

Labcorp Genetics (formerly Invitae), Labcorp
Classification: Uncertain significance for Hereditary breast ovarian cancer syndrome. Last evaluated: 2024-02-10. Review status: criteria provided, single submitter. Criteria: Invitae Variant Classification Sherloc (09022015). Collection method: clinical testing. Allele origin: germline.
Comment: This sequence change replaces proline, which is neutral and non-polar, with serine, which is neutral and polar, at codon 143 of the BRCA2 protein (p.Pro143Ser). This variant is not present in population databases (gnomAD no frequency). This variant has not been reported in the literature in individuals affected with BRCA2-related conditions. ClinVar contains an entry for this variant (Variation ID: 1739329). An algorithm developed to predict the effect of missense changes on protein structure and function (PolyPhen-2) suggests that this variant is likely to be disruptive. In summary, the available evidence is currently insufficient to determine the role of this variant in disease. Therefore, it has been classified as a Variant of Uncertain Significance.

Blueprint Genetics
Classification: Uncertain significance. Last evaluated: 2023-01-26. Review status: criteria provided, single submitter. Criteria: ACMG Guidelines, 2015. Collection method: clinical testing. Allele origin: germline.

Ambry Genetics
Classification: Uncertain significance for Hereditary cancer-predisposing syndrome. Last evaluated: 2021-10-29. Review status: criteria provided, single submitter. Criteria: Ambry Variant Classification Scheme 2023. Collection method: clinical testing. Allele origin: germline.
Comment: The p.P143S variant (also known as c.427C>T), located in coding exon 4 of the BRCA2 gene, results from a C to T substitution at nucleotide position 427. The proline at codon 143 is replaced by serine, an amino acid with similar properties. This amino acid position is well conserved in available vertebrate species. In addition, this alteration is predicted to be tolerated by in silico analysis. Since supporting evidence is limited at this time, the clinical significance of this alteration remains unclear.

NM_000059.4(BRCA2):c.427C>T (p.Pro143Ser)

Gene: BRCA2 (BRCA2 DNA repair associated; plus strand). Cytogenetic location: 13q13.1.
Variant type: single nucleotide variant.
Coding change: c.427C>T on transcript NM_000059.4 (MANE Select); coding-DNA position 427, C replaced by T.
Protein change: p.Pro143Ser; replaces proline 143 with serine.
Molecular consequence: missense variant.
Genome position (GRCh38, 1-based): chr13:32,326,102, C>T. VCF-style: chr13-32326102-C-T. GRCh37 (hg19) VCF-style: chr13-32900239-C-T.
Other names: c.427C>T, p.Pro143Ser (NM_001406719.1, NM_001406720.1, NM_001406721.1); c.58C>T, p.Pro20Ser (NM_001406722.1); short protein forms P143S, P20S.
Identifiers: ClinVar variation 1739329 (VCV001739329.5), dbSNP rs2137449301, ClinGen allele CA387756961.